The following is an entry in ClinVar:

ClinVar aggregate classification (germline): Uncertain significance (1 of 4 stars; one submission).

Conditions:
Hereditary cancer-predisposing syndrome. Also called: Neoplastic Syndromes, Hereditary; Tumor predisposition; Hereditary Cancer Syndrome; Hereditary neoplastic syndrome. Identifiers: Orphanet 140162, MedGen C0027672, MeSH D009386, MONDO:0015356.

Submission:

Ambry Genetics
Classification: Uncertain significance for Hereditary cancer-predisposing syndrome. Last evaluated: 2022-03-01. Review status: criteria provided, single submitter. Criteria: Ambry Variant Classification Scheme 2023. Collection method: clinical testing. Allele origin: germline.
Comment: The p.F676I variant (also known as c.2026T>A), located in coding exon 11 of the RET gene, results from a T to A substitution at nucleotide position 2026. The phenylalanine at codon 676 is replaced by isoleucine, an amino acid with highly similar properties. This amino acid position is conserved. In addition, the in silico prediction for this alteration is inconclusive. Since supporting evidence is limited at this time, the clinical significance of this alteration remains unclear.

NM_020975.6(RET):c.2026T>A (p.Phe676Ile)

Gene: RET (ret proto-oncogene; plus strand). Cytogenetic location: 10q11.21.
Variant type: single nucleotide variant.
Coding change: c.2026T>A on transcript NM_020975.6 (MANE Select); coding-DNA position 2026, T replaced by A.
Protein change: p.Phe676Ile; replaces phenylalanine 676 with isoleucine.
Molecular consequence: missense variant.
Genome position (GRCh38, 1-based): chr10:43,114,626, T>A. VCF-style: chr10-43114626-T-A. GRCh37 (hg19) VCF-style: chr10-43610074-T-A.
Other names: c.2026T>A, p.Phe676Ile (NM_000323.2, NM_001406743.1, NM_001406744.1 and 4 more transcripts); c.1264T>A, p.Phe422Ile (NM_001355216.2); c.1897T>A, p.Phe633Ile (NM_001406761.1, NM_001406762.1, NM_001406764.1); c.1891T>A, p.Phe631Ile (NM_001406763.1, NM_001406765.1); c.1738T>A, p.Phe580Ile (NM_001406766.1, NM_001406767.1, NM_001406770.1); c.1762T>A, p.Phe588Ile (NM_001406768.1); c.1630T>A, p.Phe544Ile (NM_001406769.1, NM_001406772.1); c.1588T>A, p.Phe530Ile (NM_001406771.1, NM_001406773.1); and 10 more; short protein forms F241I, F281I, F334I, F337I, F422I, F501I, F544I, F588I.
Identifiers: ClinVar variation 1784661 (VCV001784661.2), dbSNP rs2132850697, ClinGen allele CA376553160.